The following is an entry in ClinVar:

NM_001754.5(RUNX1):c.1037G>C (p.Arg346Pro)

Gene: RUNX1 (RUNX family transcription factor 1; minus strand). Cytogenetic location: 21q22.12.
Variant type: single nucleotide variant.
Coding change: c.1037G>C on transcript NM_001754.5 (MANE Select); coding-DNA position 1037, G replaced by C.
Protein change: p.Arg346Pro; replaces arginine 346 with proline.
Molecular consequence: missense variant.
Genome position (GRCh38, 1-based): chr21:34,792,541, C>G on the plus strand (G>C on the coding strand, the complement: RUNX1 is on the minus strand). VCF-style: chr21-34792541-C-G. GRCh37 (hg19) VCF-style: chr21-36164838-C-G.
Other names: NM_001754.5(RUNX1):c.1037G>C; p.Arg346Pro; c.956G>C, p.Arg319Pro (NM_001001890.3); short protein forms R319P, R346P.
Identifiers: ClinVar variation 1999266 (VCV001999266.6), dbSNP rs1282562937, ClinGen allele CA410148448.

ClinVar aggregate classification (germline): Uncertain significance. Review status: reviewed by expert panel (3 of 4 stars). 3 submissions from 3 submitters: Uncertain significance (1). 2 of the submissions do not count toward it. Last evaluated 2024-08-01.

Conditions:
Inborn genetic diseases. Identifiers: MedGen C0950123, MeSH D030342.
Hereditary thrombocytopenia and hematological cancer predisposition syndrome associated with RUNX1. Also called: Familial Platelet Disorder with Propensity to Acute Myelogenous Leukemia; Familial thrombocytopenia with propensity to acute myelogenous leukemia; PLATELET DISORDER, ASPIRIN-LIKE; RUNX1 Familial Platelet Disorder with Associated Myeloid Malignancies. Identifiers: Orphanet 71290, MedGen C1832388, MeSH C563324, MONDO:0100083, OMIM 601399.
Hereditary thrombocytopenia and hematologic cancer predisposition syndrome. Identifiers: Orphanet 71290, MedGen CN281654, MONDO:0011071.

Submissions (3):

ClinGen Myeloid Malignancy Variant Curation Expert Panel
Classification: Uncertain significance for Hereditary thrombocytopenia and hematologic cancer predisposition syndrome. Last evaluated: 2024-08-01. Review status: reviewed by expert panel. Criteria: ClinGen MyeloMalig ACMG Specifications v2. Collection method: curation. Allele origin: germline. Inheritance: Autosomal dominant inheritance.
Comment: NM_001754.5(RUNX1):c.1037G>C (p.Arg346Pro) is a missense variant which is absent from gnomAD v2 and v3 (PM2_Supporting). The computational predictor REVEL gives a score of 0.666, which is neither above nor below the thresholds predicting a damaging or benign impact on RUNX1 function, but the splice site predictor SpliceAI indicated that the variant has no impact on splicing. In summary, this variant meets the criteria to be classified as a VUS for autosomal dominant hereditary thrombocytopenia and hematologic cancer predisposition syndrome based on the ACMG/AMP criteria applied, as specified by the ClinGen Myeloid Malignancy VCEP: PM2_Supporting.

Ambry Genetics
Classification: Uncertain significance for Inborn genetic diseases. Last evaluated: 2026-07-06. Review status: criteria provided, single submitter. Criteria: Ambry Variant Classification Scheme 2023. Collection method: clinical testing. Allele origin: germline. Not counted in ClinVar's aggregate classification.
Comment: The p.R346P variant (also known as c.1037G>C), located in coding exon 8 of the RUNX1 gene, results from a G to C substitution at nucleotide position 1037. The arginine at codon 346 is replaced by proline, an amino acid with dissimilar properties. This amino acid position is conserved. In addition, this alteration is predicted to be deleterious by in silico analysis. Based on the available evidence, the clinical significance of this variant remains unclear.

Labcorp Genetics (formerly Invitae), Labcorp
Classification: Uncertain significance for Hereditary thrombocytopenia and hematological cancer predisposition syndrome associated with RUNX1. Last evaluated: 2024-04-08. Review status: criteria provided, single submitter. Criteria: Invitae Variant Classification Sherloc (09022015). Collection method: clinical testing. Allele origin: germline. Not counted in ClinVar's aggregate classification.
Comment: This sequence change replaces arginine, which is basic and polar, with proline, which is neutral and non-polar, at codon 346 of the RUNX1 protein (p.Arg346Pro). This variant is not present in population databases (gnomAD no frequency). This variant has not been reported in the literature in individuals affected with RUNX1-related conditions. ClinVar contains an entry for this variant (Variation ID: 1999266). Advanced modeling of protein sequence and biophysical properties (such as structural, functional, and spatial information, amino acid conservation, physicochemical variation, residue mobility, and thermodynamic stability) performed at Invitae indicates that this missense variant is not expected to disrupt RUNX1 protein function with a negative predictive value of 80%. In summary, the available evidence is currently insufficient to determine the role of this variant in disease. Therefore, it has been classified as a Variant of Uncertain Significance.